The following is an entry in ClinVar:

ClinVar aggregate classification (germline): Uncertain significance (0 of 4 stars; one submission).

Conditions:
CSMD1-related disorder. Also called: CSMD1-related condition.

gnomAD v4.1: 1 of 1,610,812 alleles (0.000062%); highest among the groups gnomAD compares: Non-Finnish European, 0.000085%; no homozygotes.

Submission:

PreventionGenetics, part of Exact Sciences
Classification: Uncertain significance for CSMD1-related condition. Last evaluated: 2024-07-25. Review status: no assertion criteria provided. Collection method: clinical testing. Allele origin: germline.
Comment: The CSMD1 c.2345T>C variant is predicted to result in the amino acid substitution p.Leu782Ser. To our knowledge, this variant has not been reported in the literature or in a large population database, indicating this variant is rare. At this time, the clinical significance of this variant is uncertain due to the absence of conclusive functional and genetic evidence.

NM_033225.6(CSMD1):c.2345T>C (p.Leu782Ser)

Gene: CSMD1 (CUB and Sushi multiple domains 1; minus strand). Cytogenetic location: 8p23.2.
Variant type: single nucleotide variant.
Coding change: c.2345T>C on transcript NM_033225.6 (MANE Select); coding-DNA position 2345, T replaced by C.
Protein change: p.Leu782Ser; replaces leucine 782 with serine.
Molecular consequence: missense variant.
Genome position (GRCh38, 1-based): chr8:3,399,451, A>G on the plus strand (T>C on the coding strand, the complement: CSMD1 is on the minus strand). VCF-style: chr8-3399451-A-G. GRCh37 (hg19) VCF-style: chr8-3256973-A-G.
Other names: short protein forms L782S.
Identifiers: ClinVar variation 3346008 (VCV003346008.1).